The following is an entry in ClinVar:

NM_012434.5(SLC17A5):c.35A>G (p.Asp12Gly)

Genes: SLC17A5 (solute carrier family 17 member 5; minus strand), LOC129996727 (ATAC-STARR-seq lymphoblastoid silent region 17338; plus strand). Cytogenetic location: 6q13.
Variant type: single nucleotide variant.
Coding change: c.35A>G on transcript NM_012434.5 (MANE Select); coding-DNA position 35, A replaced by G.
Protein change: p.Asp12Gly; replaces aspartic acid 12 with glycine.
Molecular consequence: missense variant. On other transcripts: initiator codon variant (2).
Genome position (GRCh38, 1-based): chr6:73,653,852, T>C on the plus strand (A>G on the coding strand, the complement: SLC17A5 is on the minus strand). VCF-style: chr6-73653852-T-C. GRCh37 (hg19) VCF-style: chr6-74363575-T-C.
Other names: c.1A>G, p.Met1Val (NM_001382629.1, NM_001382636.1); c.35A>G, p.Asp12Gly (NM_001382630.1, NM_001382631.1, NM_001382632.1 and 3 more transcripts); short protein forms D12G, M1V.
Identifiers: ClinVar variation 1927222 (VCV001927222.4), dbSNP rs762051179, ClinGen allele CA3890630.

ClinVar aggregate classification (germline): Uncertain significance (1 of 4 stars; one submission).

Conditions:
Salla disease (SD). Also called: Less Severe FSASD (Salla Disease); Sialuria, Finnish type; N-acetylneuraminic acid (NANA) storage disease (NSD); Infantile sialic acid storage disorder (ISSD). Identifiers: Orphanet 309334, Orphanet 834, MedGen C1096903, MONDO:0011449, OMIM 604369.

Allele frequency attached by ClinVar (database versions not stated): TOPMed below 0.00001; ExAC 0.00001; gnomAD 0.00001; gnomAD exomes 0.00001.

Submission:

Labcorp Genetics (formerly Invitae), Labcorp
Classification: Uncertain significance for Salla disease. Last evaluated: 2022-07-11. Review status: criteria provided, single submitter. Criteria: Invitae Variant Classification Sherloc (09022015). Collection method: clinical testing. Allele origin: germline.
Comment: In summary, the available evidence is currently insufficient to determine the role of this variant in disease. Therefore, it has been classified as a Variant of Uncertain Significance. Algorithms developed to predict the effect of missense changes on protein structure and function are either unavailable or do not agree on the potential impact of this missense change (SIFT: "Deleterious"; PolyPhen-2: "Benign"; Align-GVGD: "Class C0"). This variant has not been reported in the literature in individuals affected with SLC17A5-related conditions. The frequency data for this variant in the population databases is considered unreliable, as metrics indicate poor data quality at this position in the gnomAD database. This sequence change replaces aspartic acid, which is acidic and polar, with glycine, which is neutral and non-polar, at codon 12 of the SLC17A5 protein (p.Asp12Gly).